The following is an entry in ClinVar:

NM_001376256.1(CRYM):c.943T>C (p.Ter315Gln)

Gene: CRYM (crystallin mu; minus strand). Cytogenetic location: 16p12.2.
Variant type: single nucleotide variant.
Coding change: c.943T>C on transcript NM_001376256.1 (MANE Select); coding-DNA position 943, T replaced by C.
Protein change: p.Ter315Gln.
Molecular consequence: stop lost.
Genome position (GRCh38, 1-based): chr16:21,258,783, A>G on the plus strand (T>C on the coding strand, the complement: CRYM is on the minus strand). VCF-style: chr16-21258783-A-G. GRCh37 (hg19) VCF-style: chr16-21270104-A-G.
Other names: c.943T>C, p.Ter315Gln (NM_001888.5).
Identifiers: ClinVar variation 996876 (VCV000996876.1), dbSNP rs140779001, ClinGen allele CA7950561.

ClinVar aggregate classification (germline): Uncertain significance (1 of 4 stars; one submission).

Conditions:
Autosomal dominant nonsyndromic hearing loss 40. Also called: Deafness, autosomal dominant 40. Identifiers: Orphanet 90635, MedGen C4084708, MONDO:0014603, OMIM 616357.

Allele frequency attached by ClinVar (database versions not stated): gnomAD exomes 0.00001 and 0.00008; ExAC 0.00010; 1000 Genomes Project 30x 0.00016; 1000 Genomes Project 0.00020; gnomAD 0.00020 and 0.00021; TOPMed 0.00031; ESP Exome Variant Server 0.00054.
gnomAD v4.1: 54 of 1,613,626 alleles (0.0033%); highest among the groups gnomAD compares: African/African-American, 0.068%; no homozygotes.

Submission:

New York Genome Center
Classification: Uncertain significance for Autosomal dominant nonsyndromic hearing loss 40. Last evaluated: 2019-09-26. Review status: criteria provided, single submitter. Criteria: NYGC Assertion Criteria 2020. Collection method: clinical testing. Allele origin: paternal. Inheritance: Autosomal dominant inheritance. Observed: 1 heterozygote. Study: CSER-NYCKidSeq. Segregation with disease not observed.
Comment: The inherited c.943T>C (p.Ter315GlnextTer5) variant identified in the CRYM gene is a stop loss which substitutes the stop codon (amino acid 315/315; coding exon 10/10) for a Glutamine, which is predicted to extend the protein by 5 C-terminal amino acids. This variant is found with low frequency in gnomAD (22 heterozygotes, 0 homozygotes; allele frequency: 7.79e-5) and ExAC (12 heterozygotes, 0 homozygotes; allele frequency: 9.89e-5), suggesting it is not a common benign variant in the populations represented in these databases. This variant is absent from ClinVar, however a different amino acid change at the same amino acid (c.945A>T; p.Ter315TyrextTer5) has been reported as pathogenic (VarID:16934). While the p.Ter315GlnextTer5 identified here has not been reported in affected individuals in the literature, the p.Ter315TyrextTer5 variant reported in ClinVar has been identified as a de novo variant in an individual with bilateral moderate sensorineural hearing loss affecting all frequencies [PMID: 12471561], and in vitro functional studies suggested this variant may lead to mislocalization of the CRYM protein to the cytoplasm [PMID: 16740909]. While studies supporting the pathogenicity of the p.Ter315TyrextTer5 variant are promising, the lack of affected individuals reported or functional evidence supporting the pathogenicity of the c.943T>C (p.Ter315GlnextTer5) variant identified here leads to its classification as a Variant of Uncertain Significance.